The following is an entry in ClinVar:

NM_001105206.3(LAMA4):c.2201C>T (p.Ser734Phe)

Gene: LAMA4 (laminin subunit alpha 4; minus strand). Cytogenetic location: 6q21.
Variant type: single nucleotide variant.
Coding change: c.2201C>T on transcript NM_001105206.3 (MANE Select); coding-DNA position 2201, C replaced by T.
Protein change: p.Ser734Phe; replaces serine 734 with phenylalanine.
Molecular consequence: missense variant.
Genome position (GRCh38, 1-based): chr6:112,148,309, G>A on the plus strand (C>T on the coding strand, the complement: LAMA4 is on the minus strand). VCF-style: chr6-112148309-G-A. GRCh37 (hg19) VCF-style: chr6-112469511-G-A.
Other names: c.2180C>T, p.Ser727Phe (NM_001105207.3, NM_002290.5); short protein forms S727F, S734F.
Identifiers: ClinVar variation 1805149 (VCV001805149.2), dbSNP rs1780158816, ClinGen allele CA365383728.

ClinVar aggregate classification (germline): Uncertain significance. Review status: criteria provided, multiple submitters, no conflicts (2 of 4 stars). 2 submissions from 2 submitters: Uncertain significance (2). Last evaluated 2026-08-08.

Conditions:
Cardiovascular phenotype. Identifiers: MedGen CN230736.
Dilated cardiomyopathy 1JJ (CMD1JJ). Identifiers: Orphanet 154, MedGen C3808935, MONDO:0014095, OMIM 615235.

Allele frequency attached by ClinVar (database versions not stated): gnomAD exomes below 0.00001.
gnomAD v4.1: 3 of 1,614,160 alleles (0.00019%); highest among the groups gnomAD compares: Non-Finnish European, 0.00025%; no homozygotes.

Submissions (2):

Ambry Genetics
Classification: Uncertain significance for Cardiovascular phenotype. Last evaluated: 2026-08-08. Review status: criteria provided, single submitter. Criteria: Ambry Variant Classification Scheme 2023. Collection method: clinical testing. Allele origin: germline.
Comment: The p.S727F variant (also known as c.2180C>T), located in coding exon 17 of the LAMA4 gene, results from a C to T substitution at nucleotide position 2180. The serine at codon 727 is replaced by phenylalanine, an amino acid with highly dissimilar properties. This amino acid position is conserved. In addition, this alteration is predicted to be tolerated by in silico analysis. Based on the available evidence, the clinical significance of this variant remains unclear.

Victorian Clinical Genetics Services, Murdoch Childrens Research Institute
Classification: Uncertain significance for Dilated cardiomyopathy 1JJ. Last evaluated: 2022-02-02. Review status: criteria provided, single submitter. Criteria: ACMG Guidelines, 2015. Collection method: clinical testing. Allele origin: germline. Inheritance: Autosomal dominant inheritance. Affected: yes.
Comment: Based on the classification scheme VCGS_Germline_v1.3.4, this variant is classified as VUS-3B. Following criteria are met: 0105 - The mechanism of disease for this gene is not clearly established. (I) 0107 - This gene is associated with autosomal dominant disease. (I) 0200 - Variant is predicted to result in a missense amino acid change from serine to phenylalanine. (I) 0251 - This variant is heterozygous. (I) 0301 - Variant is absent from gnomAD (both v2 and v3). (SP) 0309 - An alternative amino acid change at the same position has been observed in gnomAD (v2) (p.(Ser734Pro): 1 heterozygote, 0 homozygotes). (I) 0502 - Missense variant with conflicting in silico predictions and uninformative conservation. (I) 0600 - Variant is located in the annotated laminin domain II (NCBI). (I) 0705 - No comparable missense variants have previous evidence for pathogenicity. (I) 0807 - This variant has no previous evidence of pathogenicity. (I) 0905 - No published segregation evidence has been identified for this variant. (I) 1007 - No published functional evidence has been identified for this variant. (I) 1208 - Inheritance information for this variant is not currently available in this individual. (I) Legend: (SP) - Supporting pathogenic, (I) - Information, (SB) - Supporting benign